The following is an entry in ClinVar:

NM_000053.4(ATP7B):c.1279G>A (p.Val427Ile)

Gene: ATP7B (ATPase copper transporting beta; minus strand). Cytogenetic location: 13q14.3.
Variant type: single nucleotide variant.
Coding change: c.1279G>A on transcript NM_000053.4 (MANE Select); coding-DNA position 1279, G replaced by A.
Protein change: p.Val427Ile; replaces valine 427 with isoleucine.
Molecular consequence: missense variant.
Genome position (GRCh38, 1-based): chr13:51,973,941, C>T on the plus strand (G>A on the coding strand, the complement: ATP7B is on the minus strand). VCF-style: chr13-51973941-C-T. GRCh37 (hg19) VCF-style: chr13-52548077-C-T.
Other names: c.1279G>A, p.Val427Ile (NM_001406538.1, NM_001406540.1, NM_001406541.1 and 29 more transcripts); c.850G>A, p.Val284Ile (NM_001406539.1); c.1183G>A, p.Val395Ile (NM_001406543.1, NM_001406517.1, NM_001406518.1 and 3 more transcripts); c.946G>A, p.Val316Ile (NM_001243182.2); short protein forms V284I, V316I, V395I, V427I.
Identifiers: ClinVar variation 4758543 (VCV004758543.1).
Genomic context (GRCh38, chr13:51,973,941, plus strand): 5'-GACACAAAGAGAAAAGGAGACAAGCTCAGGACATGCCTCAAACACACTACGTACCAGAAA[C>T]GACTGAAGCCTCAAATCCCATGTCTTCTATAGCAGCTCTGAGTTCTTCTGGGCTAATTAC-3'
Protein context (NP_000044.2, residues 417-437): IEDMGFEASV[Val427Ile]SESCSTNPLG

ClinVar aggregate classification (germline): Uncertain significance (1 of 4 stars; one submission).

Conditions:
Wilson disease (WND). Also called: Wilson's disease. Identifiers: Orphanet 905, MedGen C0019202, MONDO:0010200, OMIM 277900. Disease mechanism: loss of function.

gnomAD v4.1: 10 of 1,614,236 alleles (0.00062%); highest among the groups gnomAD compares: Middle Eastern, 0.016%; no homozygotes.

Submission:

Color Diagnostics, LLC DBA Color Health
Classification: Uncertain significance for Wilson disease. Last evaluated: 2023-07-06. Review status: criteria provided, single submitter. Criteria: ACMG Guidelines, 2015. Collection method: clinical testing. Allele origin: germline.
Comment: This missense variant replaces valine with isoleucine at codon 427 of the ATP7B protein. Computational prediction suggests that this variant may not impact protein structure and function. To our knowledge, functional studies have not been reported for this variant. This variant has not been reported in individuals affected with ATP7B-related disorders in the literature. This variant has been identified in 1/249290 chromosomes in the general population by the Genome Aggregation Database (gnomAD). The available evidence is insufficient to determine the role of this variant in disease conclusively. Therefore, this variant is classified as a Variant of Uncertain Significance.